The following is an entry in ClinVar:

NC_000017.10:g.(?_3550718)_(3552245_?)dup

Gene: CTNS (cystinosin, lysosomal cystine transporter; plus strand). Cytogenetic location: 17p13.2.
Variant type: Duplication.
Identifiers: ClinVar variation 3243029 (VCV003243029.1).

ClinVar aggregate classification (germline): Likely pathogenic (1 of 4 stars; one submission).

Conditions:
Ocular cystinosis. Also called: Non-Nephropathic Cystinosis; Non-Nephropathic (Ocular) Cystinosis. Identifiers: Orphanet 213, Orphanet 411641, MedGen C2931013, MONDO:0009064, OMIM 219750.
Juvenile nephropathic cystinosis. Also called: Intermediate Cystinosis; CYSTINOSIS, LATE-ONSET JUVENILE OR ADOLESCENT NEPHROPATHIC TYPE; Later-Onset (Juvenile) Cystinosis. Identifiers: Orphanet 213, Orphanet 411634, MedGen C0268626, MONDO:0009066, OMIM 219900.
Inborn genetic diseases. Identifiers: MedGen C0950123, MeSH D030342.

Submission:

Labcorp Genetics (formerly Invitae), Labcorp
Classification: Likely pathogenic for Inborn genetic diseases; Ocular cystinosis; Juvenile nephropathic cystinosis. Last evaluated: 2023-03-21. Review status: criteria provided, single submitter. Criteria: Invitae Variant Classification Sherloc (09022015). Collection method: clinical testing. Allele origin: unknown.
Comment: In summary, the currently available evidence indicates that the variant is pathogenic, but additional data are needed to prove that conclusively. Therefore, this variant has been classified as Likely Pathogenic. This variant has not been reported in the literature in individuals affected with CTNS-related conditions. This variant results in a copy number gain of the genomic region encompassing exon(s) 4-5 of the CTNS gene. While the exact position of this variant cannot be determined from the data, sub-genic copy number gains are generally in tandem (PMID: 25640679). This variant is predicted to be out-of-frame, and may result in an absent or disrupted protein product. Loss-of-function variants in CTNS are known to be pathogenic (PMID: 9537412, 27102039).

Literature cited by the submitters: PubMed 25640679; PubMed 9537412; PubMed 27102039.